The following is an entry in ClinVar:

NM_000019.4(ACAT1):c.709C>A (p.Pro237Thr)

Gene: ACAT1 (acetyl-CoA acetyltransferase 1; plus strand). Cytogenetic location: 11q22.3.
Variant type: single nucleotide variant.
Coding change: c.709C>A on transcript NM_000019.4 (MANE Select); coding-DNA position 709, C replaced by A.
Protein change: p.Pro237Thr; replaces proline 237 with threonine.
Molecular consequence: missense variant. On other transcripts: non-coding transcript variant (2).
Genome position (GRCh38, 1-based): chr11:108,140,194, C>A. VCF-style: chr11-108140194-C-A. GRCh37 (hg19) VCF-style: chr11-108010921-C-A.
Other names: c.709C>A, p.Pro237Thr (NM_001386677.1); c.394C>A, p.Pro132Thr (NM_001386678.1); c.412C>A, p.Pro138Thr (NM_001386679.1); c.439C>A, p.Pro147Thr (NM_001386681.1, NM_001386682.1, NM_001386685.1 and 6 more transcripts); short protein forms P147T, P132T, P138T, P237T.
Identifiers: ClinVar variation 1045679 (VCV001045679.6), dbSNP rs754478568, ClinGen allele CA6263186.
Genomic context (GRCh38, chr11:108,140,194, plus strand): 5'-AATTCTTATACCAGAAGTAAAGCAGCATGGGAAGCTGGGAAATTTGGAAATGAAGTTATT[C>A]CTGTCACAGTTACAGTAAAAGGTAGAGATAATGTTCCAAAAAGGATGAATAGACTTTTCA-3'
Protein context (NP_000010.1, residues 227-247): EAGKFGNEVI[Pro237Thr]VTVTVKGQPD

ClinVar aggregate classification (germline): Uncertain significance. Review status: criteria provided, single submitter (1 of 4 stars). 2 submissions from 2 submitters: Uncertain significance (1). 1 of the submissions does not count toward it. Last evaluated 2021-08-26.

Conditions:
Deficiency of acetyl-CoA acetyltransferase. Also called: MITOCHONDRIAL ACETOACETYL-CoA THIOLASE DEFICIENCY; 3-KETOTHIOLASE DEFICIENCY; 3-OXOTHIOLASE DEFICIENCY; Beta-ketothiolase deficiency. Identifiers: Orphanet 134, MedGen C1536500, MONDO:0008760, OMIM 203750. Disease mechanism: loss of function.

Allele frequency attached by ClinVar (database versions not stated): ExAC 0.00002; gnomAD 0.00003; gnomAD exomes 0.00003 and 0.00006; TOPMed 0.00005.
gnomAD v4.1: 22 of 1,613,924 alleles (0.0014%); highest among the groups gnomAD compares: Admixed American, 0.033%; no homozygotes.

Submissions (2):

Labcorp Genetics (formerly Invitae), Labcorp
Classification: Uncertain significance for Deficiency of acetyl-CoA acetyltransferase. Last evaluated: 2021-08-26. Review status: criteria provided, single submitter. Criteria: Invitae Variant Classification Sherloc (09022015). Collection method: clinical testing. Allele origin: germline.
Comment: This sequence change replaces proline with threonine at codon 237 of the ACAT1 protein (p.Pro237Thr). The proline residue is moderately conserved and there is a small physicochemical difference between proline and threonine. This variant is present in population databases (rs754478568, ExAC 0.03%). This variant has not been reported in the literature in individuals affected with ACAT1-related conditions. Algorithms developed to predict the effect of missense changes on protein structure and function are either unavailable or do not agree on the potential impact of this missense change (SIFT: "Deleterious"; PolyPhen-2: "Possibly Damaging"; Align-GVGD: "Class C0"). In summary, the available evidence is currently insufficient to determine the role of this variant in disease. Therefore, it has been classified as a Variant of Uncertain Significance.

Natera, Inc.
Classification: Uncertain significance for Alpha-methylacetoacetic aciduria. Last evaluated: 2020-05-15. Review status: no assertion criteria provided. Collection method: clinical testing. Allele origin: germline. Not counted in ClinVar's aggregate classification.